The following is an entry in ClinVar:

NM_004369.4(COL6A3):c.4541T>C (p.Leu1514Pro)

Gene: COL6A3 (collagen type VI alpha 3 chain; minus strand). Cytogenetic location: 2q37.3.
Variant type: single nucleotide variant.
Coding change: c.4541T>C on transcript NM_004369.4 (MANE Select); coding-DNA position 4541, T replaced by C.
Protein change: p.Leu1514Pro; replaces leucine 1514 with proline.
Molecular consequence: missense variant.
Genome position (GRCh38, 1-based): chr2:237,368,922, A>G on the plus strand (T>C on the coding strand, the complement: COL6A3 is on the minus strand). VCF-style: chr2-237368922-A-G. GRCh37 (hg19) VCF-style: chr2-238277565-A-G.
Other names: c.2720T>C, p.Leu907Pro (NM_057166.5); c.3923T>C, p.Leu1308Pro (NM_057167.4); short protein forms L1308P, L1514P, L907P.
Identifiers: ClinVar variation 5041331 (VCV005041331.1).

ClinVar aggregate classification (germline): Uncertain significance (1 of 4 stars; one submission).

Submission:

CeGaT Center for Human Genetics Tuebingen
Classification: Uncertain significance. Last evaluated: 2026-09-01. Review status: criteria provided, single submitter. Criteria: CeGaT Center For Human Genetics Tuebingen Variant Classification Criteria Version 2. Collection method: clinical testing. Allele origin: germline. Affected: yes. Observed: 1 variant allele.
Comment: COL6A3: PM2